The following is an entry in ClinVar:

NM_006567.5(FARS2):c.772+133C>T

Gene: FARS2 (phenylalanyl-tRNA synthetase 2, mitochondrial; plus strand). Cytogenetic location: 6p25.1.
Variant type: single nucleotide variant.
Coding change: c.772+133C>T on transcript NM_006567.5 (MANE Select); 133 bases into the intron after coding-DNA position 772, C replaced by T.
Molecular consequence: intron variant.
Genome position (GRCh38, 1-based): chr6:5,404,834, C>T. VCF-style: chr6-5404834-C-T. GRCh37 (hg19) VCF-style: chr6-5405067-C-T.
Other names: c.772+133C>T (NM_001374878.1, NM_001318872.2, NM_001374877.1 and 5 more transcripts); c.76+133C>T (NM_001375260.1, NM_001375259.1).
Identifiers: ClinVar variation 673624 (VCV000673624.1), dbSNP rs150533314, ClinGen allele CA12313766.

ClinVar aggregate classification (germline): Benign (1 of 4 stars; one submission).

Allele frequency attached by ClinVar (database versions not stated): 1000 Genomes Project 30x 0.01577; 1000 Genomes Project 0.01617; TOPMed 0.02753; gnomAD 0.03282 and 0.03378.
gnomAD v4.1: 20,065 of 608,510 alleles (3.3%); highest among the groups gnomAD compares: Middle Eastern, 6.7%; 484 homozygotes.

Submission:

GeneDx
Classification: Benign. Last evaluated: 2018-06-16. Review status: criteria provided, single submitter. Criteria: GeneDx Variant Classification (06012015). Collection method: clinical testing. Allele origin: germline. Affected: yes.
Comment: This variant is considered likely benign or benign based on one or more of the following criteria: it is a conservative change, it occurs at a poorly conserved position in the protein, it is predicted to be benign by multiple in silico algorithms, and/or has population frequency not consistent with disease.